The following is an entry in ClinVar:

NM_001378615.1(CC2D2A):c.1634AAG[1] (p.Glu546del)

Genes: CC2D2A (coiled-coil and C2 domain containing 2A; plus strand), FBXL5 (F-box and leucine rich repeat protein 5; minus strand). Cytogenetic location: 4p15.32.
Variant type: Microsatellite.
Coding change: c.1634AAG[1] on transcript NM_001378615.1 (MANE Select); one copy of the 3-base unit AAG starting at c.1634; the reference has two copies in a row; one copy, 3 bases deleted.
Protein change: p.Glu546del; deletes glutamic acid 546.
Molecular consequence: inframe deletion.
Genome position (GRCh38, 1-based): chr4:15,536,949-15,536,951, AAG deleted; deleting any 3 consecutive bases within chr4:15,536,945-15,536,951 gives the same sequence; the position shown is the placement nearest the transcript's 3' end. VCF-style (leftmost placement, unchanged base first): chr4-15536944-TGAA-T. GRCh37 (hg19) VCF-style: chr4-15538567-TGAA-T.
Other names: c.1634AAG[1], p.Glu546del (NM_001080522.2); c.1487AAG[1], p.Glu497del (NM_001378617.1); short protein forms E497del, E546del.
Identifiers: ClinVar variation 1486030 (VCV001486030.5), dbSNP rs750868948, ClinGen allele CA2863722.

ClinVar aggregate classification (germline): Uncertain significance (1 of 4 stars; one submission).

Conditions:
Joubert syndrome. Also called: JOUBERT-BOLTSHAUSER SYNDROME; Familial aplasia of the vermis. Identifiers: Orphanet 475, MedGen C5979921, MONDO:0018772.
Meckel-Gruber syndrome. Also called: DYSENCEPHALIA SPLANCHNOCYSTICA; GRUBER SYNDROME; Dysencephalia splachnocystica. Identifiers: Orphanet 564, MedGen C0265215, MONDO:0018921.

Submission:

Labcorp Genetics (formerly Invitae), Labcorp
Classification: Uncertain significance for Joubert syndrome; Meckel-Gruber syndrome. Last evaluated: 2021-09-01. Review status: criteria provided, single submitter. Criteria: Invitae Variant Classification Sherloc (09022015). Collection method: clinical testing. Allele origin: germline.
Comment: This variant, c.1637_1639del, results in the deletion of 1 amino acid(s) of the CC2D2A protein (p.Glu546del), but otherwise preserves the integrity of the reading frame. The frequency data for this variant in the population databases is considered unreliable, as metrics indicate poor data quality at this position in the ExAC database. This variant has not been reported in the literature in individuals affected with CC2D2A-related conditions. Experimental studies and prediction algorithms are not available or were not evaluated, and the functional significance of this variant is currently unknown. In summary, the available evidence is currently insufficient to determine the role of this variant in disease. Therefore, it has been classified as a Variant of Uncertain Significance.